The following is an entry in ClinVar:

ClinVar aggregate classification (germline): Pathogenic (1 of 4 stars; one submission).

Conditions:
Joubert syndrome. Also called: CEREBELLOPARENCHYMAL DISORDER IV; JOUBERT-BOLTSHAUSER SYNDROME; Familial aplasia of the vermis. Identifiers: Orphanet 475, MedGen C5979921, MONDO:0018772.
Meckel-Gruber syndrome. Also called: DYSENCEPHALIA SPLANCHNOCYSTICA; GRUBER SYNDROME; Dysencephalia splachnocystica. Identifiers: Orphanet 564, MedGen C0265215, MONDO:0018921.

Submission:

Labcorp Genetics (formerly Invitae), Labcorp
Classification: Pathogenic for Joubert syndrome; Meckel-Gruber syndrome. Last evaluated: 2023-12-22. Review status: criteria provided, single submitter. Criteria: Invitae Variant Classification Sherloc (09022015). Collection method: clinical testing. Allele origin: germline.
Comment: This sequence change creates a premature translational stop signal (p.Ser999*) in the RPGRIP1L gene. It is expected to result in an absent or disrupted protein product. Loss-of-function variants in RPGRIP1L are known to be pathogenic (PMID: 17558409). This variant is not present in population databases (gnomAD no frequency). This variant has not been reported in the literature in individuals affected with RPGRIP1L-related conditions. Algorithms developed to predict the effect of sequence changes on RNA splicing suggest that this variant may disrupt the consensus splice site. For these reasons, this variant has been classified as Pathogenic.

Literature cited by the submitters: PubMed 17558409.

NM_015272.5(RPGRIP1L):c.2996C>G (p.Ser999Ter)

Gene: RPGRIP1L (RPGRIP1 like; minus strand). Cytogenetic location: 16q12.2.
Variant type: single nucleotide variant.
Coding change: c.2996C>G on transcript NM_015272.5 (MANE Select); coding-DNA position 2996, C replaced by G.
Protein change: p.Ser999Ter; replaces serine 999 with a stop codon.
Molecular consequence: nonsense. On other transcripts: intron variant (2).
Genome position (GRCh38, 1-based): chr16:53,638,374, G>C on the plus strand (C>G on the coding strand, the complement: RPGRIP1L is on the minus strand). VCF-style: chr16-53638374-G-C. GRCh37 (hg19) VCF-style: chr16-53672286-G-C.
Other names: c.2996C>G, p.Ser999Ter (NM_001308334.3); c.2959-520C>G (NM_001127897.4, NM_001330538.2); short protein forms S999*.
Identifiers: ClinVar variation 2921640 (VCV002921640.3), dbSNP rs770414663, ClinGen allele CA395926626.